The following is an entry in ClinVar:

ClinVar aggregate classification (germline): Likely pathogenic (1 of 4 stars; one submission).

Conditions:
Deficiency of alpha-mannosidase (MANSA). Also called: Mannosidosis, alpha-, types I and II; LYSOSOMAL ALPHA-D-MANNOSIDASE DEFICIENCY; Alpha-Mannosidosis. Identifiers: Orphanet 61, MedGen C0024748, MONDO:0009561, OMIM 248500.

Submission:

Myriad Genetics, Inc.
Classification: Likely pathogenic for Deficiency of alpha-mannosidase. Last evaluated: 2022-04-01. Review status: criteria provided, single submitter. Criteria: Myriad Women's Health Autosomal Recessive and X-Linked Classification Criteria (2021). Collection method: clinical testing. Allele origin: unknown.
Comment: NM_000528.3(MAN2B1):c.1139_1141delACGinsT(Y380Ffs*58) is expected to be pathogenic in the context of alpha-mannosidosis. This variant is predicted to lead to an abnormal or absent protein product due to the creation of a premature termination codon in MAN2B1, a gene where loss-of-function variants are known to be pathogenic. Please note: this variant was assessed in the context of healthy population screening.

NM_000528.4(MAN2B1):c.1139_1141delinsT (p.Tyr380fs)

Gene: MAN2B1 (mannosidase alpha class 2B member 1; minus strand). Cytogenetic location: 19p13.13.
Variant type: Indel.
Coding change: c.1139_1141delinsT on transcript NM_000528.4 (MANE Select); coding-DNA positions 1139 to 1141, ACG replaced by T.
Protein change: p.Tyr380fs; shifts the reading frame from tyrosine 380.
Molecular consequence: frameshift variant.
Genome position (GRCh38, 1-based): chr19:12,658,313-12,658,315, CGT replaced by A on the plus strand (ACG replaced by T on the coding strand, the reverse complement: MAN2B1 is on the minus strand). VCF-style: chr19-12658313-CGT-A. GRCh37 (hg19) VCF-style: chr19-12769127-CGT-A.
Other names: c.1136_1138delinsT, p.Tyr379fs (NM_001173498.2); short protein forms Y379fs, Y380fs.
Identifiers: ClinVar variation 1725804 (VCV001725804.2), dbSNP rs2512503761, ClinGen allele CA2580096526.